The following is an entry in ClinVar:

NM_152564.5(VPS13B):c.1298T>C (p.Val433Ala)

Gene: VPS13B (vacuolar protein sorting 13 homolog B; plus strand). Cytogenetic location: 8q22.2.
Variant type: single nucleotide variant.
Coding change: c.1298T>C on transcript NM_152564.5 (MANE Select); coding-DNA position 1298, T replaced by C.
Protein change: p.Val433Ala; replaces valine 433 with alanine.
Molecular consequence: missense variant.
Genome position (GRCh38, 1-based): chr8:99,134,723, T>C. VCF-style: chr8-99134723-T-C. GRCh37 (hg19) VCF-style: chr8-100146951-T-C.
Other names: c.1298T>C, p.Val433Ala (NM_015243.3, NM_017890.5); short protein forms V433A.
Identifiers: ClinVar variation 4901170 (VCV004901170.2).

ClinVar aggregate classification (germline): Uncertain significance. Review status: criteria provided, multiple submitters, no conflicts (2 of 4 stars). 2 submissions from 2 submitters: Uncertain significance (2). Last evaluated 2026-02-02.

Conditions:
VPS13B-related disorder. Also called: VPS13B-related condition.

gnomAD v4.1: 20 of 1,604,168 alleles (0.0012%); highest among the groups gnomAD compares: Non-Finnish European, 0.0014%; no homozygotes.

Submissions (2):

PreventionGenetics, part of Exact Sciences
Classification: Uncertain significance for VPS13B-related condition. Last evaluated: 2026-02-02. Review status: criteria provided, single submitter. Criteria: ACMG Guidelines, 2015. Collection method: clinical testing. Allele origin: germline.
Comment: The VPS13B c.1298T>C variant is predicted to result in the amino acid substitution p.Val433Ala. To our knowledge, this variant has not been reported in the literature. This variant is reported in 0.0054% of alleles in individuals of European (Non-Finnish) descent in gnomAD. At this time, the clinical significance of this variant is uncertain due to the absence of conclusive functional and genetic evidence.

Blueprint Genetics
Classification: Uncertain significance. Last evaluated: 2024-10-08. Review status: criteria provided, single submitter. Criteria: ACMG Guidelines, 2015. Collection method: clinical testing. Allele origin: germline.